The following is an entry in ClinVar:

ClinVar aggregate classification (germline): Uncertain significance (1 of 4 stars; one submission).

Conditions:
Charcot-Marie-Tooth disease type 2. Also called: Charcot-Marie-Tooth type 2. Identifiers: Orphanet 64746, MedGen C0270914, MONDO:0018993.

Submission:

Labcorp Genetics (formerly Invitae), Labcorp
Classification: Uncertain significance for Charcot-Marie-Tooth disease type 2. Last evaluated: 2024-04-25. Review status: criteria provided, single submitter. Criteria: Invitae Variant Classification Sherloc (09022015). Collection method: clinical testing. Allele origin: germline.
Comment: This sequence change replaces glutamine, which is neutral and polar, with histidine, which is basic and polar, at codon 271 of the BSCL2 protein (p.Gln271His). This variant also falls at the last nucleotide of exon 7, which is part of the consensus splice site for this exon. This variant is not present in population databases (gnomAD no frequency). This variant has not been reported in the literature in individuals affected with BSCL2-related conditions. An algorithm developed to predict the effect of missense changes on protein structure and function (PolyPhen-2) suggests that this variant is likely to be disruptive. Variants that disrupt the consensus splice site are a relatively common cause of aberrant splicing (PMID: 17576681, 9536098). Algorithms developed to predict the effect of sequence changes on RNA splicing suggest that this variant may disrupt the consensus splice site. In summary, the available evidence is currently insufficient to determine the role of this variant in disease. Therefore, it has been classified as a Variant of Uncertain Significance.

Literature cited by the submitters: PubMed 17576681; PubMed 9536098.

NM_001122955.4(BSCL2):c.1005G>C (p.Gln335His)

Genes: BSCL2 (BSCL2 lipid droplet biogenesis associated, seipin; minus strand), HNRNPUL2-BSCL2 (HNRNPUL2-BSCL2 readthrough (NMD candidate); minus strand). Cytogenetic location: 11q12.3.
Variant type: single nucleotide variant.
Coding change: c.1005G>C on transcript NM_001122955.4 (MANE Select); coding-DNA position 1005, G replaced by C.
Protein change: p.Gln335His; replaces glutamine 335 with histidine.
Molecular consequence: missense variant. On other transcripts: non-coding transcript variant (1), intron variant (1).
Genome position (GRCh38, 1-based): chr11:62,691,280, C>G on the plus strand (G>C on the coding strand, the complement: BSCL2 is on the minus strand). VCF-style: chr11-62691280-C-G. GRCh37 (hg19) VCF-style: chr11-62458752-C-G.
Other names: c.1005G>C, p.Gln335His (NM_001386027.1, NM_001386028.1); c.813G>C, p.Gln271His (NM_032667.6); c.672-139G>C (NM_001130702.2); short protein forms Q271H, Q335H.
Identifiers: ClinVar variation 3612630 (VCV003612630.2).